The following is an entry in ClinVar:

ClinVar aggregate classification (germline): Uncertain significance (1 of 4 stars; one submission).

Submission:

Labcorp Genetics (formerly Invitae), Labcorp
Classification: Uncertain significance. Last evaluated: 2022-06-21. Review status: criteria provided, single submitter. Criteria: Invitae Variant Classification Sherloc (09022015). Collection method: clinical testing. Allele origin: germline.
Comment: In summary, the available evidence is currently insufficient to determine the role of this variant in disease. Therefore, it has been classified as a Variant of Uncertain Significance. Advanced modeling of protein sequence and biophysical properties (such as structural, functional, and spatial information, amino acid conservation, physicochemical variation, residue mobility, and thermodynamic stability) performed at Invitae indicates that this missense variant is not expected to disrupt ATP1A1 protein function. This variant has not been reported in the literature in individuals affected with ATP1A1-related conditions. This variant is not present in population databases (gnomAD no frequency). This sequence change replaces phenylalanine, which is neutral and non-polar, with cysteine, which is neutral and slightly polar, at codon 411 of the ATP1A1 protein (p.Phe411Cys).

NM_000701.8(ATP1A1):c.1232T>G (p.Phe411Cys)

Gene: ATP1A1 (ATPase Na+/K+ transporting subunit alpha 1; plus strand). Cytogenetic location: 1p13.1.
Variant type: single nucleotide variant.
Coding change: c.1232T>G on transcript NM_000701.8 (MANE Select); coding-DNA position 1232, T replaced by G.
Protein change: p.Phe411Cys; replaces phenylalanine 411 with cysteine.
Molecular consequence: missense variant.
Genome position (GRCh38, 1-based): chr1:116,390,791, T>G. VCF-style: chr1-116390791-T-G. GRCh37 (hg19) VCF-style: chr1-116933413-T-G.
Other names: c.1232T>G, p.Phe411Cys (NM_001160233.2); c.1139T>G, p.Phe380Cys (NM_001160234.2); short protein forms F380C, F411C.
Identifiers: ClinVar variation 1985181 (VCV001985181.4), dbSNP rs2525841340, ClinGen allele CA341844750.